The following is an entry in ClinVar:

ClinVar aggregate classification (germline): Uncertain significance (1 of 4 stars; one submission).

Conditions:
Hereditary cancer-predisposing syndrome. Also called: Hereditary Cancer Syndrome; Neoplastic Syndromes, Hereditary; Tumor predisposition; Hereditary neoplastic syndrome. Identifiers: Orphanet 140162, MedGen C0027672, MeSH D009386, MONDO:0015356.

Submission:

Ambry Genetics
Classification: Uncertain significance for Hereditary cancer-predisposing syndrome. Last evaluated: 2026-08-14. Review status: criteria provided, single submitter. Criteria: Ambry Variant Classification Scheme 2023. Collection method: clinical testing. Allele origin: germline.
Comment: The p.G881D variant (also known as c.2642G>A), located in coding exon 16 of the ALK gene, results from a G to A substitution at nucleotide position 2642. The glycine at codon 881 is replaced by aspartic acid, an amino acid with similar properties. This amino acid position is highly conserved in available vertebrate species. In addition, the in silico prediction for this alteration is inconclusive. Based on the available evidence, the clinical significance of this variant remains unclear.

NM_004304.5(ALK):c.2642G>A (p.Gly881Asp)

Gene: ALK (ALK receptor tyrosine kinase; minus strand). Cytogenetic location: 2p23.2.
Variant type: single nucleotide variant.
Coding change: c.2642G>A on transcript NM_004304.5 (MANE Select); coding-DNA position 2642, G replaced by A.
Protein change: p.Gly881Asp; replaces glycine 881 with aspartic acid.
Molecular consequence: missense variant.
Genome position (GRCh38, 1-based): chr2:29,229,057, C>T on the plus strand (G>A on the coding strand, the complement: ALK is on the minus strand). VCF-style: chr2-29229057-C-T. GRCh37 (hg19) VCF-style: chr2-29451923-C-T.
Other names: short protein forms G881D.
Identifiers: ClinVar variation 5035441 (VCV005035441.1).